The following is an entry in ClinVar:

NM_014915.3(ANKRD26):c.-113A>C

Gene: ANKRD26 (ankyrin repeat domain 26; minus strand). Cytogenetic location: 10p12.1.
Variant type: single nucleotide variant.
Coding change: c.-113A>C on transcript NM_014915.3 (MANE Select); 113 bases upstream of the start codon, A replaced by C.
Molecular consequence: 5 prime UTR variant.
Genome position (GRCh38, 1-based): chr10:27,100,439, T>G on the plus strand (A>C on the coding strand, the complement: ANKRD26 is on the minus strand). VCF-style: chr10-27100439-T-G. GRCh37 (hg19) VCF-style: chr10-27389368-T-G.
Other names: p.?; c.-113A>C (NM_001256053.2).
Identifiers: ClinVar variation 299768 (VCV000299768.23), dbSNP rs886046949, ClinGen allele CA10635286.

ClinVar aggregate classification (germline): Conflicting classifications of pathogenicity. Review status: criteria provided, conflicting classifications (1 of 4 stars). 7 submissions from 7 submitters: Uncertain significance (5); Likely benign (1). 1 of the submissions does not count toward it. Last evaluated 2026-02-03.

Conditions:
ANKRD26-related disorder. Also called: ANKRD26-related condition.

Allele frequency attached by ClinVar (database versions not stated): gnomAD 0.00038; TOPMed 0.00044.
gnomAD v4.1: 442 of 1,466,452 alleles (0.03%); highest among the groups gnomAD compares: Middle Eastern, 0.3%; 3 homozygotes.

Submissions (7):

Labcorp Genetics (formerly Invitae), Labcorp
Classification: Uncertain significance. Last evaluated: 2026-02-03. Review status: criteria provided, single submitter. Criteria: Invitae Variant Classification Sherloc (09022015). Collection method: clinical testing. Allele origin: germline.
Comment: This variant occurs in a non-coding region of the ANKRD26 gene. It does not change the encoded amino acid sequence of the ANKRD26 protein. This variant is present in population databases (no rsID available, gnomAD 0.03%). This variant has been observed in individual(s) with thrombocytopenia (PMID: 21467542, 38158197). It has also been observed to segregate with disease in related individuals. This variant has been observed to be homozygous, hemizygous or homoplasmic in an individual who did not have the expected clinical features for that genetic result (PMID: 28669401). ClinVar contains an entry for this variant (Variation ID: 299768). Experimental studies and prediction algorithms are not available or were not evaluated, and the functional significance of this variant is currently unknown. In summary, the available evidence is currently insufficient to determine the role of this variant in disease. Therefore, it has been classified as a Variant of Uncertain Significance.

Mayo Clinic Laboratories, Mayo Clinic
Classification: Uncertain significance. Last evaluated: 2025-07-02. Review status: criteria provided, single submitter. Criteria: ACMG Guidelines, 2015. Collection method: clinical testing. Allele origin: germline. Observed: 2 variant alleles.
Comment: BS2

GeneDx
Classification: Uncertain significance. Last evaluated: 2025-04-28. Review status: criteria provided, single submitter. Criteria: GeneDx Variant Classification Process June 2021. Collection method: clinical testing. Allele origin: germline. Affected: yes.
Comment: Observed in individuals with thrombocytopenia but also in unaffected controls (PMID: 21467542, 28669401, 38158197); Nucleotide is not conserved across species and the substitution has no predicted effect on splicing; This variant is associated with the following publications: (PMID: 28277066, 24430186, 21467542, 32351539, 31275945, 28669401, 35751752, Kuzmanovic2022[abstract], 35587581, 38158197)

Blueprint Genetics
Classification: Likely benign. Last evaluated: 2024-10-16. Review status: criteria provided, single submitter. Criteria: ACMG Guidelines, 2015. Collection method: clinical testing. Allele origin: germline.

Mendelics
Classification: Uncertain significance. Last evaluated: 2022-05-04. Review status: criteria provided, single submitter. Criteria: Mendelics Assertion Criteria 2019. Collection method: clinical testing. Allele origin: germline.

Genetic Services Laboratory, University of Chicago
Classification: Uncertain significance. Last evaluated: 2020-07-15. Review status: criteria provided, single submitter. Criteria: ACMG Guidelines, 2015. Collection method: clinical testing. Allele origin: germline. Affected: no.
Comment: DNA sequence analysis of the ANKRD26 gene demonstrated a sequence change in the 5 prime untranslated region (5'UTR), c.-113A>C. This sequence change has been described in the gnomAD database with a low population frequency of 0.019% (dbSNP rs886046949). The c.-113A>C change has been described in a patient with thrombocytopenia (PMID: 21467542). This sequence change occurs in a region where other pathogenic sequence changes have been reported in patients with ANKRD26-related thrombocytopenia. The functional significance of this sequence change is not known at present and its contribution to a disease phenotype cannot definitively be determined.

PreventionGenetics, part of Exact Sciences
Classification: Uncertain significance for ANKRD26-related condition. Last evaluated: 2024-08-09. Review status: no assertion criteria provided. Collection method: clinical testing. Allele origin: germline. Not counted in ClinVar's aggregate classification.
Comment: The ANKRD26 c.-113A>C variant is located in the 5' untranslated region. This variant has been reported in three individuals from the same family with thrombocytopenia (Noris et al. 2011. PubMed ID: 21467542). This variant has also been reported in a large screen of individuals with rare diseases that found the variant in multiple individuals who did not display bleeding/platelet phenotypes (Greene et al. 2017. PubMed ID: 28669401). This variant is reported in 0.032% of alleles in individuals of European (Non-Finnish) descent in gnomAD, which may be too frequent to be a fully-penetrant pathogenic variant. This variant is interpreted as a variant of uncertain significance in ClinVar. At this time, the clinical significance of this variant is uncertain due to the conflicting evidence.

Literature cited by the submitters: PubMed 21467542 (cited by Labcorp Genetics (formerly Invitae), Labcorp and Mayo Clinic Laboratories, Mayo Clinic); PubMed 38158197 (cited by Labcorp Genetics (formerly Invitae), Labcorp and Mayo Clinic Laboratories, Mayo Clinic); PubMed 28669401 (cited by Labcorp Genetics (formerly Invitae), Labcorp and Mayo Clinic Laboratories, Mayo Clinic); PubMed 24430186 (cited by Mayo Clinic Laboratories, Mayo Clinic); PubMed 32351539 (cited by Mayo Clinic Laboratories, Mayo Clinic).